The following is an entry in ClinVar:

ClinVar aggregate classification (germline): Uncertain significance (1 of 4 stars; one submission).

Conditions:
Cardiovascular phenotype. Identifiers: MedGen CN230736.

Submission:

Ambry Genetics
Classification: Uncertain significance for Cardiovascular phenotype. Last evaluated: 2023-07-06. Review status: criteria provided, single submitter. Criteria: Ambry Variant Classification Scheme 2023. Collection method: clinical testing. Allele origin: germline.
Comment: The p.E696G variant (also known as c.2087A>G), located in coding exon 1 of the ZNF469 gene, results from an A to G substitution at nucleotide position 2087. The glutamic acid at codon 696 is replaced by glycine, an amino acid with similar properties. This amino acid position is conserved. In addition, this alteration is predicted to be tolerated by in silico analysis. Since supporting evidence is limited at this time, the clinical significance of this alteration remains unclear.

NM_001367624.2(ZNF469):c.2087A>G (p.Glu696Gly)

Gene: ZNF469 (zinc finger protein 469; plus strand). Cytogenetic location: 16q24.2.
Variant type: single nucleotide variant.
Coding change: c.2087A>G on transcript NM_001367624.2 (MANE Select); coding-DNA position 2087, A replaced by G.
Protein change: p.Glu696Gly; replaces glutamic acid 696 with glycine.
Molecular consequence: missense variant.
Genome position (GRCh38, 1-based): chr16:88,429,557, A>G. VCF-style: chr16-88429557-A-G. GRCh37 (hg19) VCF-style: chr16-88495965-A-G.
Other names: NM_001127464.1:c.2087A>G; short protein forms E696G.
Identifiers: ClinVar variation 2626109 (VCV002626109.2), dbSNP rs2507577368, ClinGen allele CA397069759.
Genomic context (GRCh38, chr16:88,429,557, plus strand): 5'-TGGGAGCCGAGGGTGCCTTCCAGTGCCTGGAGGAGACCCCATTCCCCCACGAGGGCCCCG[A>G]GGTGGGTCGGGGAGGGCTGCAGGGCTTCCCCCGTGCGCCGCCTCCGTACCCCACACACCA-3'
Protein context (NP_001354553.1, residues 686-706): EETPFPHEGP[Glu696Gly]VGRGGLQGFP